The following is an entry in ClinVar:

ClinVar aggregate classification (germline): Uncertain significance (1 of 4 stars; one submission).

Conditions:
Charcot-Marie-Tooth disease type 2. Also called: Charcot-Marie-Tooth type 2. Identifiers: Orphanet 64746, MedGen C0270914, MONDO:0018993.

Submission:

Labcorp Genetics (formerly Invitae), Labcorp
Classification: Uncertain significance for Charcot-Marie-Tooth disease type 2. Last evaluated: 2022-01-03. Review status: criteria provided, single submitter. Criteria: Invitae Variant Classification Sherloc (09022015). Collection method: clinical testing. Allele origin: germline.
Comment: In summary, the available evidence is currently insufficient to determine the role of this variant in disease. Therefore, it has been classified as a Variant of Uncertain Significance. Algorithms developed to predict the effect of missense changes on protein structure and function (SIFT, PolyPhen-2, Align-GVGD) all suggest that this variant is likely to be disruptive. This variant has not been reported in the literature in individuals affected with KIF1B-related conditions. This variant is not present in population databases (gnomAD no frequency). This sequence change replaces leucine, which is neutral and non-polar, with serine, which is neutral and polar, at codon 184 of the KIF1B protein (p.Leu184Ser).

NM_001365951.3(KIF1B):c.551T>C (p.Leu184Ser)

Gene: KIF1B (kinesin family member 1B; plus strand). Cytogenetic location: 1p36.22.
Variant type: single nucleotide variant.
Coding change: c.551T>C on transcript NM_001365951.3 (MANE Select); coding-DNA position 551, T replaced by C.
Protein change: p.Leu184Ser; replaces leucine 184 with serine.
Molecular consequence: missense variant.
Genome position (GRCh38, 1-based): chr1:10,267,501, T>C. VCF-style: chr1-10267501-T-C. GRCh37 (hg19) VCF-style: chr1-10327559-T-C.
Other names: c.551T>C, p.Leu184Ser (NM_001365952.1, NM_001365953.1, NM_015074.3 and 1 more transcripts); short protein forms L184S.
Identifiers: ClinVar variation 2071916 (VCV002071916.4), dbSNP rs2521043214, ClinGen allele CA338329724.
Genomic context (GRCh38, chr1:10,267,501, plus strand): 5'-GTAATTTGCGTGTGCGTGAACACCCACTTCTTGGACCCTATGTGGAGGATCTGTCCAAGT[T>C]GGCAGTTACTTCCTACACAGACATTGCTGACCTCATGGATGCTGGGAACAAAGCCAGGTA-3'
Protein context (NP_001352880.1, residues 174-194): LGPYVEDLSK[Leu184Ser]AVTSYTDIAD